The following is an entry in ClinVar:

ClinVar aggregate classification (germline): Likely benign. Review status: criteria provided, multiple submitters, no conflicts (2 of 4 stars). 2 submissions from 2 submitters: Likely benign (2). Last evaluated 2022-04-18.

Allele frequency attached by ClinVar (database versions not stated): ExAC 0.00005; gnomAD exomes 0.00007; TOPMed 0.00008; gnomAD 0.00009 and 0.00010; ESP Exome Variant Server 0.00015.
gnomAD v4.1: 284 of 1,609,484 alleles (0.018%); highest among the groups gnomAD compares: Non-Finnish European, 0.023%; no homozygotes.

Submissions (2):

Labcorp Genetics (formerly Invitae), Labcorp
Classification: Likely benign. Last evaluated: 2022-04-18. Review status: criteria provided, single submitter. Criteria: Invitae Variant Classification Sherloc (09022015). Collection method: clinical testing. Allele origin: germline.

Laboratory for Molecular Medicine, Mass General Brigham Personalized Medicine
Classification: Likely benign. Last evaluated: 2017-08-23. Review status: criteria provided, single submitter. Criteria: LMM Criteria. Collection method: clinical testing. Allele origin: germline. Observed: 1 variant allele.
Comment: p.Ile243Ile in exon 2 of S1PR2: This variant is not expected to have clinical si gnificance because it does not alter an amino acid residue and is not located wi thin the splice consensus sequence. It has been identified in 0.01% (6/65600) of European chromosomes by the Exome Aggregation Consortium (ExAC; dbSNP rs148315102).

NM_004230.4(S1PR2):c.729C>T (p.Ile243=)

Gene: S1PR2 (sphingosine-1-phosphate receptor 2; minus strand). Cytogenetic location: 19p13.2.
Variant type: single nucleotide variant.
Coding change: c.729C>T on transcript NM_004230.4 (MANE Select); coding-DNA position 729, C replaced by T.
Protein change: p.Ile243=; no amino-acid change (isoleucine 243 retained).
Molecular consequence: synonymous variant.
Genome position (GRCh38, 1-based): chr19:10,224,177, G>A on the plus strand (C>T on the coding strand, the complement: S1PR2 is on the minus strand). VCF-style: chr19-10224177-G-A. GRCh37 (hg19) VCF-style: chr19-10334853-G-A.
Identifiers: ClinVar variation 666749 (VCV000666749.11), dbSNP rs148315102, ClinGen allele CA9189033.